The following is an entry in ClinVar:

NM_002335.4(LRP5):c.754T>G (p.Trp252Gly)

Gene: LRP5 (LDL receptor related protein 5; plus strand). Cytogenetic location: 11q13.2.
Variant type: single nucleotide variant.
Coding change: c.754T>G on transcript NM_002335.4 (MANE Select); coding-DNA position 754, T replaced by G.
Protein change: p.Trp252Gly; replaces tryptophan 252 with glycine.
Molecular consequence: missense variant. On other transcripts: 5 prime UTR variant (1).
Genome position (GRCh38, 1-based): chr11:68,363,814, T>G. VCF-style: chr11-68363814-T-G. GRCh37 (hg19) VCF-style: chr11-68131282-T-G.
Other names: c.-1012T>G (NM_001291902.2); short protein forms W252G.
Identifiers: ClinVar variation 2571817 (VCV002571817.5), dbSNP rs765637520, ClinGen allele CA6149105.

ClinVar aggregate classification (germline): Uncertain significance. Review status: criteria provided, multiple submitters, no conflicts (2 of 4 stars). 3 submissions from 3 submitters: Uncertain significance (3). Last evaluated 2025-07-23.

Allele frequency attached by ClinVar (database versions not stated): gnomAD exomes below 0.00001; ExAC 0.00001; gnomAD 0.00001.
gnomAD v4.1: 7 of 1,612,900 alleles (0.00043%); highest among the groups gnomAD compares: Admixed American, 0.0017%; no homozygotes.

Submissions (3):

Labcorp Genetics (formerly Invitae), Labcorp
Classification: Uncertain significance. Last evaluated: 2025-07-23. Review status: criteria provided, single submitter. Criteria: Invitae Variant Classification Sherloc (09022015). Collection method: clinical testing. Allele origin: germline.
Comment: This sequence change replaces tryptophan, which is neutral and slightly polar, with glycine, which is neutral and non-polar, at codon 252 of the LRP5 protein (p.Trp252Gly). This variant is present in population databases (rs765637520, gnomAD 0.003%). This variant has not been reported in the literature in individuals affected with LRP5-related conditions. ClinVar contains an entry for this variant (Variation ID: 2571817). Invitae Evidence Modeling of protein sequence and biophysical properties (such as structural, functional, and spatial information, amino acid conservation, physicochemical variation, residue mobility, and thermodynamic stability) indicates that this missense variant is expected to disrupt LRP5 protein function with a positive predictive value of 95%. In summary, the available evidence is currently insufficient to determine the role of this variant in disease. Therefore, it has been classified as a Variant of Uncertain Significance.

GeneDx
Classification: Uncertain significance. Last evaluated: 2023-07-10. Review status: criteria provided, single submitter. Criteria: GeneDx Variant Classification Process June 2021. Collection method: clinical testing. Allele origin: germline. Affected: yes.
Comment: In silico analysis supports that this missense variant has a deleterious effect on protein structure/function; Has not been previously published as pathogenic or benign to our knowledge

Blueprint Genetics
Classification: Uncertain significance. Last evaluated: 2022-08-23. Review status: criteria provided, single submitter. Criteria: ACMG Guidelines, 2015. Collection method: clinical testing. Allele origin: germline.